The following is an entry in ClinVar:

NM_003476.5(CSRP3):c.319C>A (p.Pro107Thr)

Gene: CSRP3 (cysteine and glycine rich protein 3; minus strand). Cytogenetic location: 11p15.1.
Variant type: single nucleotide variant.
Coding change: c.319C>A on transcript NM_003476.5 (MANE Select); coding-DNA position 319, C replaced by A.
Protein change: p.Pro107Thr; replaces proline 107 with threonine.
Molecular consequence: missense variant. On other transcripts: synonymous variant (1).
Genome position (GRCh38, 1-based): chr11:19,186,311, G>T on the plus strand (C>A on the coding strand, the complement: CSRP3 is on the minus strand). VCF-style: chr11-19186311-G-T. GRCh37 (hg19) VCF-style: chr11-19207858-G-T.
Other names: c.150C>A, p.Thr50= (NM_001369404.1); short protein forms P107T.
Identifiers: ClinVar variation 978342 (VCV000978342.7), dbSNP rs1318623802, ClinGen allele CA379888026.

ClinVar aggregate classification (germline): Uncertain significance. Review status: criteria provided, multiple submitters, no conflicts (2 of 4 stars). 2 submissions from 2 submitters: Uncertain significance (2). Last evaluated 2023-12-19.

Conditions:
Hypertrophic cardiomyopathy 1 (CMH1). Also called: Familial hypertrophic cardiomyopathy 1; MYH7-Related Familial Hypertrophic Cardiomyopathy. Identifiers: MedGen C3495498, MONDO:0008647, OMIM 192600.
Hypertrophic cardiomyopathy 12. Identifiers: MedGen C2677491, MONDO:0012804, OMIM 612124.
Dilated cardiomyopathy 1M (CMD1M). Identifiers: Orphanet 154, MedGen C1843808, MONDO:0011840, OMIM 607482.

Allele frequency attached by ClinVar (database versions not stated): gnomAD exomes below 0.00001; TOPMed below 0.00001.
gnomAD v4.1: 3 of 1,614,226 alleles (0.00019%); highest among the groups gnomAD compares: South Asian, 0.0011%; no homozygotes.

Submissions (2):

Labcorp Genetics (formerly Invitae), Labcorp
Classification: Uncertain significance for Hypertrophic cardiomyopathy 12; Dilated cardiomyopathy 1M. Last evaluated: 2023-12-19. Review status: criteria provided, single submitter. Criteria: Invitae Variant Classification Sherloc (09022015). Collection method: clinical testing. Allele origin: germline.
Comment: This sequence change replaces proline, which is neutral and non-polar, with threonine, which is neutral and polar, at codon 107 of the CSRP3 protein (p.Pro107Thr). This variant is present in population databases (no rsID available, gnomAD 0.003%). This variant has not been reported in the literature in individuals affected with CSRP3-related conditions. ClinVar contains an entry for this variant (Variation ID: 978342). An algorithm developed to predict the effect of missense changes on protein structure and function (PolyPhen-2) suggests that this variant is likely to be tolerated. In summary, the available evidence is currently insufficient to determine the role of this variant in disease. Therefore, it has been classified as a Variant of Uncertain Significance.

Molecular Diagnostic Laboratory for Inherited Cardiovascular Disease, Montreal Heart Institute
Classification: Uncertain significance for Hypertrophic cardiomyopathy 1. Last evaluated: 2019-10-21. Review status: criteria provided, single submitter. Criteria: ACMG Guidelines, 2015. Collection method: clinical testing. Allele origin: germline. Affected: yes.